The following is an entry in ClinVar:

NM_001378778.1(MPDZ):c.4646T>C (p.Leu1549Pro)

Gene: MPDZ (multiple PDZ domain crumbs cell polarity complex component; minus strand). Cytogenetic location: 9p23.
Variant type: single nucleotide variant.
Coding change: c.4646T>C on transcript NM_001378778.1 (MANE Select); coding-DNA position 4646, T replaced by C.
Protein change: p.Leu1549Pro; replaces leucine 1549 with proline.
Molecular consequence: missense variant.
Genome position (GRCh38, 1-based): chr9:13,125,377, A>G on the plus strand (T>C on the coding strand, the complement: MPDZ is on the minus strand). VCF-style: chr9-13125377-A-G. GRCh37 (hg19) VCF-style: chr9-13125376-A-G.
Other names: c.4547T>C, p.Leu1516Pro (NM_001261406.2, NM_001261407.2, NM_001375416.1 and 3 more transcripts); c.4646T>C, p.Leu1549Pro (NM_001330637.2, NM_003829.5); c.4745T>C, p.Leu1582Pro (NM_001375413.1); c.4436T>C, p.Leu1479Pro (NM_001375420.1, NM_001375421.1, NM_001375422.1 and 4 more transcripts); c.4238T>C, p.Leu1413Pro (NM_001375427.1); short protein forms L1413P, L1479P, L1516P, L1549P, L1582P.
Identifiers: ClinVar variation 4810051 (VCV004810051.1).

ClinVar aggregate classification (germline): Uncertain significance (1 of 4 stars; one submission).

gnomAD v4.1: 6 of 1,613,652 alleles (0.00037%); highest among the groups gnomAD compares: Non-Finnish European, 0.00051%; no homozygotes.

Submission:

Labcorp Genetics (formerly Invitae), Labcorp
Classification: Uncertain significance. Last evaluated: 2025-07-08. Review status: criteria provided, single submitter. Criteria: Invitae Variant Classification Sherloc (09022015). Collection method: clinical testing. Allele origin: germline.
Comment: This sequence change replaces leucine, which is neutral and non-polar, with proline, which is neutral and non-polar, at codon 1549 of the MPDZ protein (p.Leu1549Pro). This variant is not present in population databases (gnomAD no frequency). This variant has not been reported in the literature in individuals affected with MPDZ-related conditions. An algorithm developed to predict the effect of missense changes on protein structure and function (PolyPhen-2) suggests that this variant is likely to be disruptive. In summary, the available evidence is currently insufficient to determine the role of this variant in disease. Therefore, it has been classified as a Variant of Uncertain Significance.